The following is an entry in ClinVar:

NM_000548.5(TSC2):c.3131+19G>A

Gene: TSC2 (TSC complex subunit 2; plus strand). Cytogenetic location: 16p13.3.
Variant type: single nucleotide variant.
Coding change: c.3131+19G>A on transcript NM_000548.5 (MANE Select); 19 bases into the intron after coding-DNA position 3131, G replaced by A.
Molecular consequence: intron variant.
Genome position (GRCh38, 1-based): chr16:2,079,215, G>A. VCF-style: chr16-2079215-G-A. GRCh37 (hg19) VCF-style: chr16-2129216-G-A.
Other names: c.1658+19G>A (NM_001406693.1, NM_001406690.1, NM_001406692.1 and 1 more transcripts); c.3092+19G>A (NM_001406667.1); c.3089+19G>A (NM_001406668.1); c.2531+19G>A (NM_001406680.1, NM_001406683.1, NM_001406682.1); c.2399+19G>A (NM_001406687.1, NM_001318831.2, NM_001406688.1); c.1787+19G>A (NM_001406689.1); c.1655+19G>A (NM_001406691.1, NM_001406697.1, NM_001406695.1 and 1 more transcripts); c.1397+19G>A (NM_001406698.1); and 18 more.
Identifiers: ClinVar variation 2915607 (VCV002915607.3), dbSNP rs754157205, ClinGen allele CA973769340.
Genomic context (GRCh38, chr16:2,079,215, plus strand): 5'-GGCTCGATACGTCTTCTCCAACTTCACGGCTGTCCCGAAGAGGTCCAGGCGGCACTACAG[G>A]GCTGGGCGGGCCTGCGGGAGCTCCACGGGCAAGCTGGGTTTCACGCTCCCTGTCTTCTAG-3'

ClinVar aggregate classification (germline): Uncertain significance (1 of 4 stars; one submission).

Conditions:
Tuberous sclerosis 2 (TSC2). Identifiers: Orphanet 805, MedGen C1860707, MONDO:0013199, OMIM 613254.

gnomAD v4.1: 3 of 1,612,766 alleles (0.00019%); highest among the groups gnomAD compares: Non-Finnish European, 0.00025%; no homozygotes.

Submission:

Labcorp Genetics (formerly Invitae), Labcorp
Classification: Uncertain significance for Tuberous sclerosis 2. Last evaluated: 2023-09-26. Review status: criteria provided, single submitter. Criteria: Invitae Variant Classification Sherloc (09022015). Collection method: clinical testing. Allele origin: germline.
Comment: In summary, the available evidence is currently insufficient to determine the role of this variant in disease. Therefore, it has been classified as a Variant of Uncertain Significance. Algorithms developed to predict the effect of sequence changes on RNA splicing suggest that this variant may disrupt the consensus splice site. This variant has not been reported in the literature in individuals affected with TSC2-related conditions. This variant is not present in population databases (gnomAD no frequency). This sequence change falls in intron 27 of the TSC2 gene. It does not directly change the encoded amino acid sequence of the TSC2 protein.